The following is an entry in ClinVar:

ClinVar aggregate classification (germline): Pathogenic/Likely pathogenic. Review status: criteria provided, multiple submitters, no conflicts (2 of 4 stars). 2 submissions from 2 submitters: Pathogenic (1); Likely pathogenic (1). Last evaluated 2025-12-20.

Conditions:
Familial cancer of breast. Also called: BREAST CANCER, FAMILIAL; Hereditary breast cancer; hereditary breast carcinoma. Identifiers: Orphanet 227535, MedGen C0346153, MONDO:0016419, OMIM 114480. Disease mechanism: loss of function.
Ataxia-telangiectasia syndrome (AT). Also called: Cerebello-oculocutaneous telangiectasia; Immunodeficiency with ataxia telangiectasia; Ataxia-telangiectasia, complementation group E; Ataxia-telangiectasia, complementation group D; AT, COMPLEMENTATION GROUP C; ATAXIA-TELANGIECTASIA, COMPLEMENTATION GROUP A. Identifiers: Orphanet 100, MedGen C0004135, MONDO:0008840, OMIM 208900.

Submissions (2):

Labcorp Genetics (formerly Invitae), Labcorp
Classification: Pathogenic for Ataxia-telangiectasia syndrome. Last evaluated: 2025-12-20. Review status: criteria provided, single submitter. Criteria: Invitae Variant Classification Sherloc (09022015). Collection method: clinical testing. Allele origin: germline.
Comment: This sequence change affects a donor splice site in intron 12 of the ATM gene. RNA analysis indicates that disruption of this splice site induces altered splicing and likely results in a shortened protein product. This variant is not present in population databases (gnomAD no frequency). Disruption of this splice site has been observed in individual(s) with ataxia-telangiectasia and/or breast cancer (PMID: 16266405, 16941484, 17985259). In at least one individual the data is consistent with being in trans (on the opposite chromosome) from a pathogenic variant. ClinVar contains an entry for this variant (Variation ID: 567923). Studies have shown that disruption of this splice site results in skipping of exon 12, but is expected to preserve the integrity of the reading-frame (internal data). For these reasons, this variant has been classified as Pathogenic.

Myriad Genetics, Inc.
Classification: Likely pathogenic for Familial cancer of breast. Last evaluated: 2024-01-16. Review status: criteria provided, single submitter. Criteria: Myriad Autosomal Dominant, Autosomal Recessive and X-Linked Classification Criteria (2023). Collection method: clinical testing. Allele origin: unknown.
Comment: This variant is considered likely pathogenic. This variant occurs within a consensus splice junction and is predicted to result in abnormal mRNA splicing of either an out-of-frame exon or an in-frame exon necessary for protein stability and/or normal function.

Literature cited by the submitters: PubMed 16266405 (cited by Labcorp Genetics (formerly Invitae), Labcorp); PubMed 16941484 (cited by Labcorp Genetics (formerly Invitae), Labcorp); PubMed 17985259 (cited by Labcorp Genetics (formerly Invitae), Labcorp).

NM_000051.4(ATM):c.1898+1G>A

Gene: ATM (ATM serine/threonine kinase; plus strand). Cytogenetic location: 11q22.3.
Variant type: single nucleotide variant.
Coding change: c.1898+1G>A on transcript NM_000051.4 (MANE Select); the canonical splice donor site of the intron after coding-DNA position 1898, G replaced by A.
Molecular consequence: splice donor variant.
Genome position (GRCh38, 1-based): chr11:108,252,913, G>A. VCF-style: chr11-108252913-G-A. GRCh37 (hg19) VCF-style: chr11-108123640-G-A.
Other names: c.1898+1G>A (NM_001351834.2).
Identifiers: ClinVar variation 567923 (VCV000567923.10), dbSNP rs758325274, ClinGen allele CA382536122.